The following is an entry in ClinVar:

ClinVar aggregate classification (germline): Pathogenic (1 of 4 stars; one submission).

Allele frequency attached by ClinVar (database versions not stated): TOPMed below 0.00001; gnomAD exomes 0.00001.
gnomAD v4.1: 11 of 1,612,088 alleles (0.00068%); highest among the groups gnomAD compares: South Asian, 0.0022%; no homozygotes.

Submission:

Labcorp Genetics (formerly Invitae), Labcorp
Classification: Pathogenic. Last evaluated: 2023-07-17. Review status: criteria provided, single submitter. Criteria: Invitae Variant Classification Sherloc (09022015). Collection method: clinical testing. Allele origin: germline.
Comment: This variant is present in population databases (no rsID available, gnomAD 0.004%). This variant has not been reported in the literature in individuals affected with SI-related conditions. ClinVar contains an entry for this variant (Variation ID: 1456487). For these reasons, this variant has been classified as Pathogenic. This sequence change creates a premature translational stop signal (p.Arg1504*) in the SI gene. It is expected to result in an absent or disrupted protein product. Loss-of-function variants in SI are known to be pathogenic (PMID: 16329100, 23103650, 25452324).

Literature cited by the submitters: PubMed 16329100; PubMed 23103650; PubMed 25452324.

NM_001041.4(SI):c.4510C>T (p.Arg1504Ter)

Gene: SI (sucrase-isomaltase; minus strand). Cytogenetic location: 3q26.1.
Variant type: single nucleotide variant.
Coding change: c.4510C>T on transcript NM_001041.4 (MANE Select); coding-DNA position 4510, C replaced by T.
Protein change: p.Arg1504Ter; replaces arginine 1504 with a stop codon.
Molecular consequence: nonsense.
Genome position (GRCh38, 1-based): chr3:164,998,570, G>A on the plus strand (C>T on the coding strand, the complement: SI is on the minus strand). VCF-style: chr3-164998570-G-A. GRCh37 (hg19) VCF-style: chr3-164716358-G-A.
Other names: short protein forms R1504*.
Identifiers: ClinVar variation 1456487 (VCV001456487.6), dbSNP rs1164456060, ClinGen allele CA355030712.
Genomic context (GRCh38, chr3:164,998,570, plus strand): 5'-ATAATAATAAAGATGGTGACTTTCACTTACCAATGATTGATTTGTCCATGTTGTCCCATC[G>A]TGCATAGTTGTCTCCAAGCCAGTGTCCTCCCCATCGTCCACTAGTAGGATACGTGGAACG-3'